The following is an entry in ClinVar:

NM_025219.3(DNAJC5):c.*909G>T

Gene: DNAJC5 (DnaJ heat shock protein family (Hsp40) member C5; plus strand). Cytogenetic location: 20q13.33.
Variant type: single nucleotide variant.
Coding change: c.*909G>T on transcript NM_025219.3 (MANE Select); 909 bases downstream of the stop codon, G replaced by T.
Molecular consequence: 3 prime UTR variant.
Genome position (GRCh38, 1-based): chr20:63,932,477, G>T. VCF-style: chr20-63932477-G-T. GRCh37 (hg19) VCF-style: chr20-62563830-G-T.
Identifiers: ClinVar variation 339378 (VCV000339378.6), dbSNP rs114038171, ClinGen allele CA10653395.

ClinVar aggregate classification (germline): Benign (1 of 4 stars; one submission).

Conditions:
Ceroid lipofuscinosis, neuronal, 4 (Kufs type) (CLN4). Also called: Neuronal ceroid lipofuscinosis 4B; Ceroid lipofuscinosis, neuronal, 4, Parry type. Identifiers: Orphanet 228343, Orphanet 79262, MedGen C1834207, MONDO:0008083, OMIM 162350.

Allele frequency attached by ClinVar (database versions not stated): 1000 Genomes Project 30x 0.00312; 1000 Genomes Project 0.00319; gnomAD 0.00368 and 0.00395; TOPMed 0.00387.

Submission:

Illumina Laboratory Services, Illumina
Classification: Benign for Ceroid lipofuscinosis, neuronal, 4 (Kufs type). Last evaluated: 2018-01-13. Review status: criteria provided, single submitter. Criteria: ICSL Variant Classification Criteria 13 December 2019. Collection method: clinical testing. Allele origin: germline.
Comment: This variant was observed in the ICSL laboratory as part of a predisposition screen in an ostensibly healthy population. It had not been previously curated by ICSL or reported in the Human Gene Mutation Database (HGMD: prior to June 1st, 2018), and was therefore a candidate for classification through an automated scoring system. Utilizing variant allele frequency, disease prevalence and penetrance estimates, and inheritance mode, an automated score was calculated to assess if this variant is too frequent to cause the disease. Based on the score and internal cut-off values, a variant classified as benign is not then subjected to further curation. The score for this variant resulted in a classification of benign for this disease.